The following is an entry in ClinVar:

ClinVar aggregate classification (germline): Uncertain significance (1 of 4 stars; one submission).

Submission:

Labcorp Genetics (formerly Invitae), Labcorp
Classification: Uncertain significance. Last evaluated: 2024-09-22. Review status: criteria provided, single submitter. Criteria: Invitae Variant Classification Sherloc (09022015). Collection method: clinical testing. Allele origin: germline.
Comment: This sequence change replaces lysine, which is basic and polar, with arginine, which is basic and polar, at codon 454 of the SCNN1B protein (p.Lys454Arg). This variant is not present in population databases (gnomAD no frequency). This variant has not been reported in the literature in individuals affected with SCNN1B-related conditions. Invitae Evidence Modeling of protein sequence and biophysical properties (such as structural, functional, and spatial information, amino acid conservation, physicochemical variation, residue mobility, and thermodynamic stability) indicates that this missense variant is not expected to disrupt SCNN1B protein function with a negative predictive value of 80%. In summary, the available evidence is currently insufficient to determine the role of this variant in disease. Therefore, it has been classified as a Variant of Uncertain Significance.

NM_000336.3(SCNN1B):c.1361A>G (p.Lys454Arg)

Gene: SCNN1B (sodium channel epithelial 1 subunit beta; plus strand). Cytogenetic location: 16p12.2.
Variant type: single nucleotide variant.
Coding change: c.1361A>G on transcript NM_000336.3 (MANE Select); coding-DNA position 1361, A replaced by G.
Protein change: p.Lys454Arg; replaces lysine 454 with arginine.
Molecular consequence: missense variant.
Genome position (GRCh38, 1-based): chr16:23,377,343, A>G. VCF-style: chr16-23377343-A-G. GRCh37 (hg19) VCF-style: chr16-23388664-A-G.
Other names: c.1253A>G, p.Lys418Arg (NM_001410900.1); short protein forms K418R, K454R.
Identifiers: ClinVar variation 3665795 (VCV003665795.2).